The following is an entry in ClinVar:

ClinVar aggregate classification (germline): Likely benign. Review status: criteria provided, multiple submitters, no conflicts (2 of 4 stars). 2 submissions from 2 submitters: Likely benign (2). Last evaluated 2025-07-21.

Allele frequency attached by ClinVar (database versions not stated): TOPMed below 0.00001; gnomAD exomes 0.00001 and 0.00002.
gnomAD v4.1: 11 of 1,613,910 alleles (0.00068%); highest among the groups gnomAD compares: Middle Eastern, 0.016%; no homozygotes.

Submissions (2):

Labcorp Genetics (formerly Invitae), Labcorp
Classification: Likely benign. Last evaluated: 2025-07-21. Review status: criteria provided, single submitter. Criteria: Invitae Variant Classification Sherloc (09022015). Collection method: clinical testing. Allele origin: germline.

CeGaT Center for Human Genetics Tuebingen
Classification: Likely benign. Last evaluated: 2022-06-01. Review status: criteria provided, single submitter. Criteria: CeGaT Center For Human Genetics Tuebingen Variant Classification Criteria Version 2. Collection method: clinical testing. Allele origin: germline. Affected: yes. Observed: 1 variant allele.
Comment: COL4A3: BP4, BP7

NM_000091.5(COL4A3):c.2938T>C (p.Leu980=)

Genes: COL4A3 (collagen type IV alpha 3 chain; plus strand), MFF-DT (MFF divergent transcript; minus strand). Cytogenetic location: 2q36.3.
Variant type: single nucleotide variant.
Coding change: c.2938T>C on transcript NM_000091.5 (MANE Select); coding-DNA position 2938, T replaced by C.
Protein change: p.Leu980=; no amino-acid change (leucine 980 retained).
Molecular consequence: synonymous variant.
Genome position (GRCh38, 1-based): chr2:227,289,206, T>C. VCF-style: chr2-227289206-T-C. GRCh37 (hg19) VCF-style: chr2-228153922-T-C.
Identifiers: ClinVar variation 1103690 (VCV001103690.32), dbSNP rs1182913913, ClinGen allele CA431504919.
Genomic context (GRCh38, chr2:227,289,206, plus strand): 5'-TCAGGATTCGCAGGAAATCCAGGTGAGAAAGGAAACAGAGGCGTTCCAGGGATGCCAGGT[T>C]TAAAGGGCCTCAAAGGACTACCCGGACCAGCAGGACCACCAGGTACAGCTGATTCTCAAA-3'
Protein context (NP_000082.2, residues 970-990): GNRGVPGMPG[Leu980=]KGLKGLPGPA